The following is an entry in ClinVar:

ClinVar aggregate classification (germline): Pathogenic/Likely pathogenic. Review status: criteria provided, multiple submitters, no conflicts (2 of 4 stars). 5 submissions from 5 submitters: Pathogenic (1); Likely pathogenic (4). Last evaluated 2025-10-03.

Conditions:
Fetal akinesia deformation sequence 1 (FADS1). Also called: Fetal akinesia sequence; Pena-Shokeir syndrome type I. Identifiers: Orphanet 994, MedGen C1276035, MONDO:0100101, OMIM 208150, HP:0001989.
Congenital myasthenic syndrome 10. Also called: Myasthenia, limb-girdle, familial. Identifiers: Orphanet 590, MedGen C1850792, MONDO:0009690, OMIM 254300.
DOK7-related disorders.
Fetal akinesia deformation sequence 3. Identifiers: MedGen C4760599, MONDO:0100103, OMIM 618389.
Congenital myasthenic syndrome (CMS). Also called: Congenital Myasthenic Syndromes. Identifiers: Orphanet 590, MedGen C0751882, MeSH D020294, MONDO:0018940.

Allele frequency attached by ClinVar (database versions not stated): TOPMed below 0.00001; gnomAD exomes 0.00001; ExAC 0.00002.

Submissions (5):

Labcorp Genetics (formerly Invitae), Labcorp
Classification: Pathogenic for Congenital myasthenic syndrome 10; Fetal akinesia deformation sequence 1. Last evaluated: 2025-10-03. Review status: criteria provided, single submitter. Criteria: Invitae Variant Classification Sherloc (09022015). Collection method: clinical testing. Allele origin: germline.
Comment: This sequence change creates a premature translational stop signal (p.Gln151*) in the DOK7 gene. It is expected to result in an absent or disrupted protein product. Loss-of-function variants in DOK7 are known to be pathogenic (PMID: 16794080, 16917026, 18626973, 19261599). This variant is present in population databases (rs763262694, gnomAD 0.006%). This variant has not been reported in the literature in individuals affected with DOK7-related conditions. ClinVar contains an entry for this variant (Variation ID: 1804863). For these reasons, this variant has been classified as Pathogenic.

Women's Health and Genetics/Laboratory Corporation of America, LabCorp
Classification: Likely pathogenic for Congenital myasthenic syndrome. Last evaluated: 2022-11-15. Review status: criteria provided, single submitter. Criteria: LabCorp Variant Classification Summary - May 2015. Collection method: clinical testing. Allele origin: germline.
Comment: Variant summary: DOK7 c.451C>T (p.Gln151X) results in a premature termination codon, predicted to cause a truncation of the encoded protein or absence of the protein due to nonsense mediated decay, which are commonly known mechanisms for disease. Truncations downstream of this position have been classified as pathogenic by our laboratory. The variant allele was found at a frequency of 8e-06 in 250786 control chromosomes (gnomAD). To our knowledge, no occurrence of c.451C>T in individuals affected with Congenital Myasthenic Syndrome and no experimental evidence demonstrating its impact on protein function have been reported. No clinical diagnostic laboratories have submitted clinical-significance assessments for this variant to ClinVar after 2014. Based on the evidence outlined above, the variant was classified as likely pathogenic.

Baylor Genetics
Classification: Likely pathogenic for Fetal akinesia deformation sequence 3. Last evaluated: 2022-07-08. Review status: criteria provided, single submitter. Criteria: ACMG Guidelines, 2015. Collection method: clinical testing. Allele origin: unknown.

Blueprint Genetics
Classification: Likely pathogenic for DOK7-related disorders. Last evaluated: 2020-08-24. Review status: criteria provided, single submitter. Criteria: ACMG Guidelines, 2015. Collection method: clinical testing. Allele origin: germline. Affected: yes. Observed: 3 variant alleles.

Neuberg Centre For Genomic Medicine, NCGM
Classification: Likely pathogenic for Congenital myasthenic syndrome 10. Review status: criteria provided, single submitter. Criteria: ACMG Guidelines, 2015. Collection method: clinical testing. Allele origin: germline. Inheritance: Autosomal recessive inheritance. Affected: yes.
Comment: The stop gained variant in c.451C>T (p.Gln151Ter) in DOK7 gene has not been reported previously as a pathogenic variant nor as a benign variant, to our knowledge. The variant is novel (not in any individuals) in 1000 Genomes and has an allele frequency of 0.0008% in gnomAD database. The nucleotide change in DOK7 is predicted as conserved by GERP++ and PhyloP across 100 vertebrates. For these reasons, this variant has been classified as Likely Pathogenic.

Literature cited by the submitters: PubMed 16794080 (cited by Labcorp Genetics (formerly Invitae), Labcorp); PubMed 16917026 (cited by Labcorp Genetics (formerly Invitae), Labcorp); PubMed 18626973 (cited by Labcorp Genetics (formerly Invitae), Labcorp); PubMed 19261599 (cited by Labcorp Genetics (formerly Invitae), Labcorp).

NM_173660.5(DOK7):c.451C>T (p.Gln151Ter)

Gene: DOK7 (docking protein 7; plus strand). Cytogenetic location: 4p16.3.
Variant type: single nucleotide variant.
Coding change: c.451C>T on transcript NM_173660.5 (MANE Select); coding-DNA position 451, C replaced by T.
Protein change: p.Gln151Ter; replaces glutamine 151 with a stop codon.
Molecular consequence: nonsense. On other transcripts: intron variant (1).
Genome position (GRCh38, 1-based): chr4:3,476,461, C>T. VCF-style: chr4-3476461-C-T. GRCh37 (hg19) VCF-style: chr4-3478188-C-T.
Other names: c.451C>T, p.Gln151Ter (NM_001164673.2, NM_001301071.2); c.101-9078C>T (NM_001363811.2); short protein forms Q151*.
Identifiers: ClinVar variation 1804863 (VCV001804863.4), dbSNP rs763262694, ClinGen allele CA2829001.